The following is an entry in ClinVar:

NC_000002.11:g.(?_173420879)_(174232392_?)del

Genes: CDCA7 (cell division cycle associated 7; plus strand), MAP3K20 (mitogen-activated protein kinase kinase kinase 20; plus strand), PDK1 (pyruvate dehydrogenase kinase 1; plus strand), RAPGEF4 (Rap guanine nucleotide exchange factor 4; plus strand). Cytogenetic location: 2q31.1.
Variant type: Deletion.
Identifiers: ClinVar variation 3247568 (VCV003247568.1).

ClinVar aggregate classification (germline): Pathogenic (1 of 4 stars; one submission).

Submission:

Labcorp Genetics (formerly Invitae), Labcorp
Classification: Pathogenic. Last evaluated: 2022-12-02. Review status: criteria provided, single submitter. Criteria: Invitae Variant Classification Sherloc (09022015). Collection method: clinical testing. Allele origin: unknown.
Comment: For these reasons, this variant has been classified as Pathogenic. This variant has not been reported in the literature in individuals affected with MAP3K20-related conditions. A gross deletion of the genomic region encompassing the full coding sequence of the MAP3K20 gene has been identified. Loss-of-function variants in MAP3K20 are known to be pathogenic (PMID: 27816943). The boundaries of this event are unknown as they extend beyond the assayed region for this gene and therefore may encompass additional genes.

Literature cited by the submitters: PubMed 27816943.